The following is an entry in ClinVar:

NM_001372078.1(REV3L):c.3301C>T (p.Leu1101=)

Gene: REV3L (REV3 like, DNA directed polymerase zeta catalytic subunit; minus strand). Cytogenetic location: 6q21.
Variant type: single nucleotide variant.
Coding change: c.3301C>T on transcript NM_001372078.1 (MANE Select); coding-DNA position 3301, C replaced by T.
Protein change: p.Leu1101=; no amino-acid change (leucine 1101 retained).
Molecular consequence: synonymous variant.
Genome position (GRCh38, 1-based): chr6:111,375,054, G>A on the plus strand (C>T on the coding strand, the complement: REV3L is on the minus strand). VCF-style: chr6-111375054-G-A. GRCh37 (hg19) VCF-style: chr6-111696257-G-A.
Other names: c.3067C>T, p.Leu1023= (NM_001286431.2, NM_001286432.2); c.3301C>T, p.Leu1101= (NM_002912.5).
Identifiers: ClinVar variation 3059442 (VCV003059442.3), dbSNP rs461646, ClinGen allele CA3962227.

ClinVar aggregate classification (germline): Benign. Review status: criteria provided, single submitter (1 of 4 stars). 2 submissions from 2 submitters: Benign (1). 1 of the submissions does not count toward it. Last evaluated 2024-11-27.

Conditions:
REV3L-related disorder. Also called: REV3L-related condition.

Allele frequency attached by ClinVar (database versions not stated): 1000 Genomes Project 30x 0.58417; 1000 Genomes Project 0.58666; TOPMed 0.66222; gnomAD 0.67200; ESP Exome Variant Server 0.68591; ExAC 0.71614; gnomAD exomes 0.77988.
gnomAD v4.1: 1,240,611 of 1,613,402 alleles (77%); highest among the groups gnomAD compares: Non-Finnish European, 82%; 486,896 homozygotes.

Submissions (2):

Blueprint Genetics
Classification: Benign. Last evaluated: 2024-11-27. Review status: criteria provided, single submitter. Criteria: ACMG Guidelines, 2015. Collection method: clinical testing. Allele origin: germline.

PreventionGenetics, part of Exact Sciences
Classification: Benign for REV3L-related condition. Last evaluated: 2019-06-06. Review status: no assertion criteria provided. Collection method: clinical testing. Allele origin: germline. Not counted in ClinVar's aggregate classification.
Comment: This variant is classified as benign based on ACMG/AMP sequence variant interpretation guidelines (Richards et al. 2015 PMID: 25741868, with internal and published modifications).